The following is an entry in ClinVar:

ClinVar aggregate classification (germline): Pathogenic/Likely pathogenic. Review status: criteria provided, multiple submitters, no conflicts (2 of 4 stars). 4 submissions from 4 submitters: Pathogenic (1); Likely pathogenic (1). 2 of the submissions do not count toward it. Last evaluated 2024-10-04.

Conditions:
Familial hypobetalipoproteinemia 1. Also called: APOB-Related Familial Hypobetalipoproteinemia; Hypobetalipoproteinemia, normotriglyceridemic; Acanthocytosis with hypobetalipoproteinemia. Identifiers: MedGen C4551990, MONDO:0014252, OMIM 615558.
Hypercholesterolemia, autosomal dominant, type B (FHCL2). Also called: APOLIPOPROTEIN B-100, FAMILIAL DEFECTIVE; APOLIPOPROTEIN B-100, FAMILIAL LIGAND-DEFECTIVE; APOB-Related Familial Hypercholesterolemia, Autosomal Dominant; Familial hypercholesterolemia 2; Familial Hypercholesterolemia Type B; Hyperlipoproteinemia Type IIb. Identifiers: MedGen C1704417, MONDO:0007751, OMIM 144010.
Familial hypobetalipoproteinemia (FHBL). Also called: Hypobetalipoproteinemia, familial, associated with apob39; Hypobetalipoproteinemia, familial, associated with apob40; Hypobetalipoproteinemia, familial, associated with apob90 or apob89; Hypobetalipoproteinemia, familial, associated with apob46; Hypobetalipoproteinemia, familial, associated with apob87; Hypobetalipoproteinemia, familial, associated with apob31. Identifiers: MedGen C1862596.

Submissions (4):

Clinical Genomics Laboratory, Washington University in St. Louis
Classification: Likely pathogenic for Hypercholesterolemia, autosomal dominant, type B; Familial hypobetalipoproteinemia 1. Last evaluated: 2024-10-04. Review status: criteria provided, single submitter. Criteria: ACMG Guidelines, 2015. Collection method: clinical testing. Allele origin: germline. Affected: yes.
Comment: The APOB c.5566_5567del (p.Val1856Cysfs*2) variant has been reported in four individuals affected by hypobetalipoproteinemia. Among these individuals, three were compound heterozygous for this variant and another pathogenic or likely pathogenic variant, while one individual with lower circulating APOB levels was heterozygous for this variant (Talmud P et al., PMID: 2614276; Zheng M et al., PMID: 36937991). This variant has been reported in the ClinVar database as a pathogenic variant by two submitters. This variant causes a frameshift by deleting two nucleotides, leading to a premature termination codon, which is predicted to lead to nonsense mediated decay. This variant is only observed on 1 out of 251,300 alleles in the general population (gnomAD v.2.1.1), indicating it is not a common variant. Based on available information and the ACMG/AMP guidelines for variant interpretation (Richards S et al., PMID: 25741868), this variant is classified as likely pathogenic.

Labcorp Genetics (formerly Invitae), Labcorp
Classification: Pathogenic for Familial hypobetalipoproteinemia 1; Hypercholesterolemia, autosomal dominant, type B. Last evaluated: 2022-03-08. Review status: criteria provided, single submitter. Criteria: Invitae Variant Classification Sherloc (09022015). Collection method: clinical testing. Allele origin: germline.
Comment: This premature translational stop signal has been observed in individual(s) with hypobetalipoproteinemia (PMID: 2614276). This sequence change creates a premature translational stop signal (p.Val1856Cysfs*2) in the APOB gene. It is expected to result in an absent or disrupted protein product. Loss-of-function variants in APOB are known to be pathogenic (PMID: 20032471). This variant is present in population databases (rs121918384, gnomAD 0.007%). ClinVar contains an entry for this variant (Variation ID: 17884). For these reasons, this variant has been classified as Pathogenic.

Cardiovascular Genetics Laboratory, PathWest Laboratory Medicine WA - Fiona Stanley Hospital
Classification: Pathogenic for Familial hypobetalipoproteinemia 1. Last evaluated: 2023-09-11. Review status: no assertion criteria provided. Criteria: ACMG Guidelines, 2015. Collection method: clinical testing. Allele origin: germline. Not counted in ClinVar's aggregate classification.

OMIM
Classification: Pathogenic for HYPOBETALIPOPROTEINEMIA, FAMILIAL, ASSOCIATED WITH APOB40. Last evaluated: 1992-08-01. Review status: no assertion criteria provided. Collection method: literature only. Allele origin: germline. Not counted in ClinVar's aggregate classification.

Literature cited by the submitters: PubMed 2614276 (cited by Labcorp Genetics (formerly Invitae), Labcorp); PubMed 20032471 (cited by Labcorp Genetics (formerly Invitae), Labcorp); PubMed 2574033 (cited by OMIM); PubMed 1424233 (cited by OMIM).

NM_000384.3(APOB):c.5566_5567del (p.Val1856fs)

Gene: APOB (apolipoprotein B; minus strand). Cytogenetic location: 2p24.1.
Variant type: Deletion.
Coding change: c.5566_5567del on transcript NM_000384.3 (MANE Select); coding-DNA positions 5566 to 5567, 2 bases deleted (GT; older notation c.5566_5567delGT).
Protein change: p.Val1856fs; shifts the reading frame from valine 1856.
Molecular consequence: frameshift variant.
Genome position (GRCh38, 1-based): chr2:21,011,301-21,011,302, AC deleted on the plus strand (GT on the coding strand, the reverse complement: APOB is on the minus strand); deleting any 2 consecutive bases within chr2:21,011,301-21,011,303 gives the same sequence; the c. name uses the placement nearest the transcript's 3' end. VCF-style (leftmost placement, unchanged base first): chr2-21011300-AAC-A. GRCh37 (hg19) VCF-style: chr2-21234172-AAC-A.
Other names: V1829C; APOB40; c.5566_5567delGT (NM_000384.3); short protein forms V1856fs.
Identifiers: ClinVar variation 17884 (VCV000017884.11), dbSNP rs121918384, ClinGen allele CA022868.